The following is an entry in ClinVar:

NM_003060.4(SLC22A5):c.394-18C>G

Gene: SLC22A5 (solute carrier family 22 member 5; plus strand). Cytogenetic location: 5q31.1.
Variant type: single nucleotide variant.
Coding change: c.394-18C>G on transcript NM_003060.4 (MANE Select); 18 bases into the intron before coding-DNA position 394, C replaced by G.
Molecular consequence: intron variant.
Genome position (GRCh38, 1-based): chr5:132,378,360, C>G. VCF-style: chr5-132378360-C-G. GRCh37 (hg19) VCF-style: chr5-131714052-C-G.
Other names: p.?; c.466-18C>G (NM_001308122.2).
Identifiers: ClinVar variation 385182 (VCV000385182.11), dbSNP rs200136788, ClinGen allele CA3403876.

ClinVar aggregate classification (germline): Likely benign. Review status: criteria provided, multiple submitters, no conflicts (2 of 4 stars). 4 submissions from 4 submitters: Likely benign (4). Last evaluated 2026-01-21.

Conditions:
Renal carnitine transport defect (CDSP). Also called: Systemic primary carnitine deficiency; Carnitine Deficiency, Systemic; Primary carnitine deficiency; Carnitine transporter deficiency; Systemic primary carnitine deficiency disease; CARNITINE DEFICIENCY, SYSTEMIC, DUE TO DEFECT IN RENAL REABSORPTION OF CARNITINE. Identifiers: Orphanet 158, MedGen C0342788, MONDO:0008919, OMIM 212140.

Allele frequency attached by ClinVar (database versions not stated): ESP Exome Variant Server 0.00054; TOPMed 0.00057; 1000 Genomes Project 0.00200; 1000 Genomes Project 30x 0.00219.
gnomAD v4.1: 994 of 1,612,698 alleles (0.062%); highest among the groups gnomAD compares: Non-Finnish European, 0.074%; no homozygotes.

Submissions (4):

Labcorp Genetics (formerly Invitae), Labcorp
Classification: Likely benign for Renal carnitine transport defect. Last evaluated: 2026-01-21. Review status: criteria provided, single submitter. Criteria: Invitae Variant Classification Sherloc (09022015). Collection method: clinical testing. Allele origin: germline.

Mayo Clinic Laboratories, Mayo Clinic
Classification: Likely benign. Last evaluated: 2025-08-07. Review status: criteria provided, single submitter. Criteria: ACMG Guidelines, 2015. Collection method: clinical testing. Allele origin: germline. Observed: 4 variant alleles.
Comment: BP4, BP7

Blueprint Genetics
Classification: Likely benign. Last evaluated: 2024-10-31. Review status: criteria provided, single submitter. Criteria: ACMG Guidelines, 2015. Collection method: clinical testing. Allele origin: germline.

GeneDx
Classification: Likely benign. Last evaluated: 2018-03-01. Review status: criteria provided, single submitter. Criteria: GeneDx Variant Classification (06012015). Collection method: clinical testing. Allele origin: germline. Affected: yes.
Comment: This variant is considered likely benign or benign based on one or more of the following criteria: it is a conservative change, it occurs at a poorly conserved position in the protein, it is predicted to be benign by multiple in silico algorithms, and/or has population frequency not consistent with disease.